The following is an entry in ClinVar:

ClinVar aggregate classification (germline): Likely benign. Review status: criteria provided, multiple submitters, no conflicts (2 of 4 stars). 3 submissions from 3 submitters: Likely benign (2). 1 of the submissions does not count toward it. Last evaluated 2024-11-25.

Conditions:
DVL3-related disorder. Also called: DVL3-related condition.

Allele frequency attached by ClinVar (database versions not stated): ExAC 0.00001; gnomAD 0.00001; TOPMed 0.00001.
gnomAD v4.1: 14 of 1,608,384 alleles (0.00087%); highest among the groups gnomAD compares: Non-Finnish European, 0.0011%; 1 homozygote.

Submissions (3):

Blueprint Genetics
Classification: Likely benign. Last evaluated: 2024-11-25. Review status: criteria provided, single submitter. Criteria: ACMG Guidelines, 2015. Collection method: clinical testing. Allele origin: germline.

Labcorp Genetics (formerly Invitae), Labcorp
Classification: Likely benign. Last evaluated: 2023-03-12. Review status: criteria provided, single submitter. Criteria: Invitae Variant Classification Sherloc (09022015). Collection method: clinical testing. Allele origin: germline.

PreventionGenetics, part of Exact Sciences
Classification: Likely benign for DVL3-related condition. Last evaluated: 2019-06-10. Review status: no assertion criteria provided. Collection method: clinical testing. Allele origin: germline. Not counted in ClinVar's aggregate classification.
Comment: This variant is classified as likely benign based on ACMG/AMP sequence variant interpretation guidelines (Richards et al. 2015 PMID: 25741868, with internal and published modifications).

NM_004423.4(DVL3):c.153C>T (p.Asp51=)

Gene: DVL3 (dishevelled segment polarity protein 3; plus strand). Cytogenetic location: 3q27.1.
Variant type: single nucleotide variant.
Coding change: c.153C>T on transcript NM_004423.4 (MANE Select); coding-DNA position 153, C replaced by T.
Protein change: p.Asp51=; no amino-acid change (aspartic acid 51 retained).
Molecular consequence: synonymous variant.
Genome position (GRCh38, 1-based): chr3:184,155,788, C>T. VCF-style: chr3-184155788-C-T. GRCh37 (hg19) VCF-style: chr3-183873576-C-T.
Other names: c.153C>T (NM_004423.3).
Identifiers: ClinVar variation 2961941 (VCV002961941.6), dbSNP rs761904481, ClinGen allele CA2726973.